The following is an entry in ClinVar:

NM_000059.4(BRCA2):c.10145T>G (p.Leu3382Arg)

Gene: BRCA2 (BRCA2 DNA repair associated; plus strand). Cytogenetic location: 13q13.1.
Variant type: single nucleotide variant.
Coding change: c.10145T>G on transcript NM_000059.4 (MANE Select); coding-DNA position 10145, T replaced by G.
Protein change: p.Leu3382Arg; replaces leucine 3382 with arginine.
Molecular consequence: missense variant. On other transcripts: non-coding transcript variant (1).
Genome position (GRCh38, 1-based): chr13:32,398,658, T>G. VCF-style: chr13-32398658-T-G. GRCh37 (hg19) VCF-style: chr13-32972795-T-G.
Other names: c.10049T>G, p.Leu3350Arg (NM_001406719.1); c.10094T>G, p.Leu3365Arg (NM_001406720.1); c.5213T>G, p.Leu1738Arg (NM_001406721.1); c.3728T>G, p.Leu1243Arg (NM_001406722.1); short protein forms L1243R, L1738R, L3350R, L3365R, L3382R.
Identifiers: ClinVar variation 3074413 (VCV003074413.1), dbSNP rs1175484982, ClinGen allele CA387768149.

ClinVar aggregate classification (germline): Uncertain significance (1 of 4 stars; one submission).

Conditions:
Breast-ovarian cancer, familial, susceptibility to, 2 (BROVCA2). Also called: BRCA2 Hereditary Breast and Ovarian Cancer. Identifiers: Orphanet 145, MedGen C2675520, MONDO:0012933, OMIM 612555. Disease mechanism: loss of function.

Submission:

All of Us Research Program, National Institutes of Health
Classification: Uncertain significance for Breast-ovarian cancer, familial, susceptibility to, 2. Last evaluated: 2023-11-02. Review status: criteria provided, single submitter. Criteria: ACMG Guidelines, 2015. Collection method: clinical testing. Allele origin: germline. Inheritance: Autosomal dominant inheritance. Observed: 1 variant allele, 1 heterozygote.
Comment: This missense variant replaces leucine with arginine at codon 3382 of the BRCA2 protein. Computational prediction suggests that this variant may not impact protein structure and function (internally defined REVEL score threshold <= 0.5, PMID: 27666373). To our knowledge, functional studies have not been reported for this variant. This variant has not been reported in individuals affected with BRCA2-related disorders in the literature. This variant has not been identified in the general population by the Genome Aggregation Database (gnomAD). The available evidence is insufficient to determine the role of this variant in disease conclusively. Therefore, this variant is classified as a Variant of Uncertain Significance.

This study involves interpretation of variants in research participants for the purpose of population health screening. Participant phenotype was not available at the time of variant classification. Additional details can be found in publication PMID: 35346344, PMCID: PMC8962531